The following is an entry in ClinVar:

ClinVar aggregate classification (germline): Uncertain significance (1 of 4 stars; one submission).

Conditions:
Genitopatellar syndrome (GTPTS). Also called: Genitopatellar syndrome (GPS); ABSENT PATELLAE, SCROTAL HYPOPLASIA, RENAL ANOMALIES, FACIAL DYSMORPHISM, AND MENTAL RETARDATION. Identifiers: Orphanet 85201, MedGen C1853566, MONDO:0011640, OMIM 606170.

Allele frequency attached by ClinVar (database versions not stated): TOPMed 0.00001; ExAC 0.00003.

Submission:

Labcorp Genetics (formerly Invitae), Labcorp
Classification: Uncertain significance for Genitopatellar syndrome. Last evaluated: 2023-10-11. Review status: criteria provided, single submitter. Criteria: Invitae Variant Classification Sherloc (09022015). Collection method: clinical testing. Allele origin: germline.
Comment: This sequence change replaces glutamic acid, which is acidic and polar, with glutamine, which is neutral and polar, at codon 1086 of the KAT6B protein (p.Glu1086Gln). The frequency data for this variant in the population databases is considered unreliable, as metrics indicate poor data quality at this position in the gnomAD database. This variant has not been reported in the literature in individuals affected with KAT6B-related conditions. ClinVar contains an entry for this variant (Variation ID: 2074991). An algorithm developed to predict the effect of missense changes on protein structure and function (PolyPhen-2) suggests that this variant is likely to be tolerated. In summary, the available evidence is currently insufficient to determine the role of this variant in disease. Therefore, it has been classified as a Variant of Uncertain Significance.

NM_012330.4(KAT6B):c.3256G>C (p.Glu1086Gln)

Gene: KAT6B (lysine acetyltransferase 6B; plus strand). Cytogenetic location: 10q22.2.
Variant type: single nucleotide variant.
Coding change: c.3256G>C on transcript NM_012330.4 (MANE Select); coding-DNA position 3256, G replaced by C.
Protein change: p.Glu1086Gln; replaces glutamic acid 1086 with glutamine.
Molecular consequence: missense variant.
Genome position (GRCh38, 1-based): chr10:75,022,115, G>C. VCF-style: chr10-75022115-G-C. GRCh37 (hg19) VCF-style: chr10-76781873-G-C.
Other names: c.913G>C, p.Glu305Gln (NM_001370135.1); c.3256G>C, p.Glu1086Gln (NM_001370136.1, NM_001370137.1); c.2707G>C, p.Glu903Gln (NM_001370138.1, NM_001256468.2); c.2380G>C, p.Glu794Gln (NM_001370139.1, NM_001370140.1, NM_001370141.1 and 2 more transcripts); c.2191G>C, p.Glu731Gln (NM_001370143.1, NM_001370144.1); c.2218G>C, p.Glu740Gln (NM_001370132.1); c.1567G>C, p.Glu523Gln (NM_001370133.1); c.1171G>C, p.Glu391Gln (NM_001370134.1); short protein forms E305Q, E523Q, E740Q, E1086Q, E391Q, E731Q, E794Q, E903Q.
Identifiers: ClinVar variation 2074991 (VCV002074991.4), dbSNP rs751215527, ClinGen allele CA5564770.